The following is an entry in ClinVar:

ClinVar aggregate classification (germline): Likely benign (1 of 4 stars; one submission).

gnomAD v4.1: 2 of 1,581,922 alleles (0.00013%); highest among the groups gnomAD compares: Non-Finnish European, 0.00017%; no homozygotes.

Submission:

CeGaT Center for Human Genetics Tuebingen
Classification: Likely benign. Last evaluated: 2026-09-01. Review status: criteria provided, single submitter. Criteria: CeGaT Center For Human Genetics Tuebingen Variant Classification Criteria Version 2. Collection method: clinical testing. Allele origin: germline. Affected: yes. Observed: 1 variant allele.
Comment: PTPN23: BP4, BP7

NM_015466.4(PTPN23):c.15C>T (p.Pro5=)

Genes: PTPN23 (protein tyrosine phosphatase non-receptor type 23; plus strand), PTPN23-DT (PTPN23 divergent transcript; minus strand). Cytogenetic location: 3p21.31.
Variant type: single nucleotide variant.
Coding change: c.15C>T on transcript NM_015466.4 (MANE Select); coding-DNA position 15, C replaced by T.
Protein change: p.Pro5=; no amino-acid change (proline 5 retained).
Molecular consequence: synonymous variant. On other transcripts: non-coding transcript variant (1), 5 prime UTR variant (1).
Genome position (GRCh38, 1-based): chr3:47,381,111, C>T. VCF-style: chr3-47381111-C-T. GRCh37 (hg19) VCF-style: chr3-47422601-C-T.
Other names: c.-236C>T (NM_001304482.2).
Identifiers: ClinVar variation 5041186 (VCV005041186.1).